The following is an entry in ClinVar:

ClinVar aggregate classification (germline): Uncertain significance (1 of 4 stars; one submission).

Conditions:
Hereditary cancer-predisposing syndrome. Also called: Neoplastic Syndromes, Hereditary; Hereditary Cancer Syndrome; Tumor predisposition; Hereditary neoplastic syndrome. Identifiers: Orphanet 140162, MedGen C0027672, MeSH D009386, MONDO:0015356.

Submission:

Ambry Genetics
Classification: Uncertain significance for Hereditary cancer-predisposing syndrome. Last evaluated: 2025-02-06. Review status: criteria provided, single submitter. Criteria: Ambry Variant Classification Scheme 2023. Collection method: clinical testing. Allele origin: germline.
Comment: The p.Y1279F variant (also known as c.3836A>T), located in coding exon 31 of the TSC2 gene, results from an A to T substitution at nucleotide position 3836. The tyrosine at codon 1279 is replaced by phenylalanine, an amino acid with highly similar properties. This amino acid position is conserved. In addition, the in silico prediction for this alteration is inconclusive. Based on the available evidence, the clinical significance of this variant remains unclear.

NM_000548.5(TSC2):c.3836A>T (p.Tyr1279Phe)

Gene: TSC2 (TSC complex subunit 2; plus strand). Cytogenetic location: 16p13.3.
Variant type: single nucleotide variant.
Coding change: c.3836A>T on transcript NM_000548.5 (MANE Select); coding-DNA position 3836, A replaced by T.
Protein change: p.Tyr1279Phe; replaces tyrosine 1279 with phenylalanine.
Molecular consequence: missense variant. On other transcripts: non-coding transcript variant (1), intron variant (33).
Genome position (GRCh38, 1-based): chr16:2,082,457, A>T. VCF-style: chr16-2082457-A-T. GRCh37 (hg19) VCF-style: chr16-2132458-A-T.
Other names: c.3104A>T, p.Tyr1035Phe (NM_001318831.2); c.3704A>T, p.Tyr1235Phe (NM_001370404.1, NM_001406665.1); c.3707A>T, p.Tyr1236Phe (NM_001370405.1, NM_021055.3); c.3833A>T, p.Tyr1278Phe (NM_001406663.1); c.3236A>T, p.Tyr1079Phe (NM_001406680.1); c.2363A>T, p.Tyr788Phe (NM_001406690.1); c.2360A>T, p.Tyr787Phe (NM_001406691.1); c.2341+659A>T (NM_001406693.1, NM_001406692.1, NM_001406694.1); and 25 more; short protein forms Y1278F, Y787F, Y788F, Y1079F, Y1235F, Y1236F, Y1279F, Y1035F.
Identifiers: ClinVar variation 3811294 (VCV003811294.1).